The following is an entry in ClinVar:

NM_006918.5(SC5D):c.*4924T>C

Gene: SC5D (sterol-C5-desaturase; plus strand). Cytogenetic location: 11q24.1.
Variant type: single nucleotide variant.
Coding change: c.*4924T>C on transcript NM_006918.5 (MANE Select); 4924 bases downstream of the stop codon, T replaced by C.
Molecular consequence: 3 prime UTR variant.
Genome position (GRCh38, 1-based): chr11:121,312,436, T>C. VCF-style: chr11-121312436-T-C. GRCh37 (hg19) VCF-style: chr11-121183145-T-C.
Other names: c.*4924T>C (NM_001024956.3).
Identifiers: ClinVar variation 303108 (VCV000303108.5), dbSNP rs35288685, ClinGen allele CA10633868.

ClinVar aggregate classification (germline): Benign (1 of 4 stars; one submission).

Conditions:
Lathosterolosis. Also called: SC5D DEFICIENCY; STEROL C5-DESATURASE DEFICIENCY. Identifiers: Orphanet 46059, MedGen C1846421, MONDO:0011816, OMIM 607330.

Allele frequency attached by ClinVar (database versions not stated): 1000 Genomes Project 30x 0.38445; 1000 Genomes Project 0.39337; TOPMed 0.44420; gnomAD 0.46507 and 0.46529.
gnomAD v4.1: 70,648 of 152,010 alleles (46%); highest among the groups gnomAD compares: Non-Finnish European, 56%; 17,855 homozygotes.

Submission:

Illumina Laboratory Services, Illumina
Classification: Benign for Lathosterolosis. Last evaluated: 2018-01-13. Review status: criteria provided, single submitter. Criteria: ICSL Variant Classification Criteria 13 December 2019. Collection method: clinical testing. Allele origin: germline.
Comment: This variant was observed in the ICSL laboratory as part of a predisposition screen in an ostensibly healthy population. It had not been previously curated by ICSL or reported in the Human Gene Mutation Database (HGMD: prior to June 1st, 2018), and was therefore a candidate for classification through an automated scoring system. Utilizing variant allele frequency, disease prevalence and penetrance estimates, and inheritance mode, an automated score was calculated to assess if this variant is too frequent to cause the disease. Based on the score and internal cut-off values, a variant classified as benign is not then subjected to further curation. The score for this variant resulted in a classification of benign for this disease.